The following is an entry in ClinVar:

ClinVar aggregate classification (germline): Uncertain significance (1 of 4 stars; one submission).

Conditions:
Charcot-Marie-Tooth disease dominant intermediate B (CMTDIB). Also called: Charcot-Marie-Tooth disease dominant intermediate 1; CMT DI1; Charcot-Marie-Tooth disease dominant intermediate I; CHARCOT-MARIE-TOOTH NEUROPATHY, DOMINANT INTERMEDIATE B. Identifiers: Orphanet 100044, Orphanet 228179, MedGen C1847902, MONDO:0011674, OMIM 606482.

Allele frequency attached by ClinVar (database versions not stated): gnomAD exomes below 0.00001 and 0.00001; gnomAD 0.00001; TOPMed 0.00002.
gnomAD v4.1: 8 of 1,613,610 alleles (0.0005%); highest among the groups gnomAD compares: Middle Eastern, 0.016%; no homozygotes.

Submission:

Labcorp Genetics (formerly Invitae), Labcorp
Classification: Uncertain significance for Charcot-Marie-Tooth disease dominant intermediate B. Last evaluated: 2025-01-06. Review status: criteria provided, single submitter. Criteria: Invitae Variant Classification Sherloc (09022015). Collection method: clinical testing. Allele origin: germline.
Comment: This sequence change replaces arginine, which is basic and polar, with tryptophan, which is neutral and slightly polar, at codon 780 of the DNM2 protein (p.Arg780Trp). The frequency data for this variant in the population databases is considered unreliable, as metrics indicate poor data quality at this position in the gnomAD database. This variant has not been reported in the literature in individuals affected with DNM2-related conditions. ClinVar contains an entry for this variant (Variation ID: 938544). Invitae Evidence Modeling of protein sequence and biophysical properties (such as structural, functional, and spatial information, amino acid conservation, physicochemical variation, residue mobility, and thermodynamic stability) indicates that this missense variant is not expected to disrupt DNM2 protein function with a negative predictive value of 95%. In summary, the available evidence is currently insufficient to determine the role of this variant in disease. Therefore, it has been classified as a Variant of Uncertain Significance.

NM_001005361.3(DNM2):c.2338C>T (p.Arg780Trp)

Gene: DNM2 (dynamin 2; plus strand). Cytogenetic location: 19p13.2.
Variant type: single nucleotide variant.
Coding change: c.2338C>T on transcript NM_001005361.3 (MANE Select); coding-DNA position 2338, C replaced by T.
Protein change: p.Arg780Trp; replaces arginine 780 with tryptophan.
Molecular consequence: missense variant.
Genome position (GRCh38, 1-based): chr19:10,830,173, C>T. VCF-style: chr19-10830173-C-T. GRCh37 (hg19) VCF-style: chr19-10940849-C-T.
Other names: c.2338C>T, p.Arg780Trp (NM_001005360.3, NM_001190716.2); c.2326C>T, p.Arg776Trp (NM_001005362.3, NM_004945.4); short protein forms R776W, R780W.
Identifiers: ClinVar variation 938544 (VCV000938544.9), dbSNP rs1221582515, ClinGen allele CA404043718.
Genomic context (GRCh38, chr19:10,830,173, plus strand): 5'-CTCCTTCCTCACAGCCCCACTCCACAGCGCCGACCGGTGTCCAGCATACACCCCCCTGGC[C>T]GGCCCCCAGCAGTGAGGGGCCCCACTCCAGGGCCCCCCCTGATTCCTGTTCCCGTGGGGG-3'
Protein context (NP_001005361.1, residues 770-790): RPVSSIHPPG[Arg780Trp]PPAVRGPTPG